The following is an entry in ClinVar:

ClinVar aggregate classification (germline): Conflicting classifications of pathogenicity. Review status: criteria provided, conflicting classifications (1 of 4 stars). 3 submissions from 3 submitters: Likely pathogenic (1); Uncertain significance (2). Last evaluated 2026-06-03.

Conditions:
Waardenburg syndrome type 1 (WS1). Also called: Waardenburg Syndrome Type I; WAARDENBURG SYNDROME WITH DYSTOPIA CANTHORUM. Identifiers: Orphanet 894, MedGen C1847800, MONDO:0008670, OMIM 193500.

Submissions (3):

GeneDx
Classification: Uncertain significance. Last evaluated: 2026-06-03. Review status: criteria provided, single submitter. Criteria: GeneDx Variant Classification Process June 2021. Collection method: clinical testing. Allele origin: germline.
Comment: Not observed at significant frequency in large population cohorts (gnomAD); In silico analysis supports a deleterious effect on splicing; Has not been previously published as pathogenic or benign to our knowledge

Labcorp Genetics (formerly Invitae), Labcorp
Classification: Uncertain significance. Last evaluated: 2022-06-13. Review status: criteria provided, single submitter. Criteria: Invitae Variant Classification Sherloc (09022015). Collection method: clinical testing. Allele origin: germline.
Comment: This variant has been observed in individual(s) with Waardenburg syndrome (Invitae). ClinVar contains an entry for this variant (Variation ID: 547740). Algorithms developed to predict the effect of sequence changes on RNA splicing suggest that this variant may disrupt the consensus splice site. In summary, the available evidence is currently insufficient to determine the role of this variant in disease. Therefore, it has been classified as a Variant of Uncertain Significance. This variant is not present in population databases (gnomAD no frequency). This sequence change falls in intron 3 of the PAX3 gene. It does not directly change the encoded amino acid sequence of the PAX3 protein.

Center for Human Genetics, Inc
Classification: Likely pathogenic for Waardenburg syndrome type 1. Last evaluated: 2016-11-01. Review status: criteria provided, single submitter. Criteria: ACMG Guidelines, 2015. Collection method: clinical testing. Allele origin: germline. Affected: yes.

NM_181458.4(PAX3):c.452-9C>A

Gene: PAX3 (paired box 3; minus strand). Cytogenetic location: 2q36.1.
Variant type: single nucleotide variant.
Coding change: c.452-9C>A on transcript NM_181458.4 (MANE Select); 9 bases into the intron before coding-DNA position 452, C replaced by A.
Molecular consequence: intron variant.
Genome position (GRCh38, 1-based): chr2:222,294,310, G>T on the plus strand (C>A on the coding strand, the complement: PAX3 is on the minus strand). VCF-style: chr2-222294310-G-T. GRCh37 (hg19) VCF-style: chr2-223159029-G-T.
Other names: c.449-9C>A (NM_001127366.3); c.452-9C>A (NM_181460.4, NM_181461.4, NM_181459.4 and 3 more transcripts).
Identifiers: ClinVar variation 547740 (VCV000547740.10), dbSNP rs1379006499, ClinGen allele CA658821475.